The following is an entry in ClinVar:

NM_006231.4(POLE):c.484G>T (p.Asp162Tyr)

Gene: POLE (DNA polymerase epsilon, catalytic subunit; minus strand). Cytogenetic location: 12q24.33.
Variant type: single nucleotide variant.
Coding change: c.484G>T on transcript NM_006231.4 (MANE Select); coding-DNA position 484, G replaced by T.
Protein change: p.Asp162Tyr; replaces aspartic acid 162 with tyrosine.
Molecular consequence: missense variant.
Genome position (GRCh38, 1-based): chr12:132,679,591, C>A on the plus strand (G>T on the coding strand, the complement: POLE is on the minus strand). VCF-style: chr12-132679591-C-A. GRCh37 (hg19) VCF-style: chr12-133256177-C-A.
Other names: short protein forms D162Y.
Identifiers: ClinVar variation 2501484 (VCV002501484.1), dbSNP rs759492756, ClinGen allele CA387367264.

ClinVar aggregate classification (germline): Uncertain significance (1 of 4 stars; one submission).

Submission:

GeneDx
Classification: Uncertain significance. Last evaluated: 2022-11-08. Review status: criteria provided, single submitter. Criteria: GeneDx Variant Classification Process June 2021. Collection method: clinical testing. Allele origin: germline. Affected: yes.
Comment: Not observed at significant frequency in large population cohorts (gnomAD); In silico analysis supports that this missense variant has a deleterious effect on protein structure/function; Has not been previously published as pathogenic or benign to our knowledge